The following is an entry in ClinVar:

NM_014714.4(IFT140):c.1452G>A (p.Thr484=)

Genes: IFT140 (intraflagellar transport 140; minus strand), LOC105371046 (uncharacterized LOC105371046; plus strand). Cytogenetic location: 16p13.3.
Variant type: single nucleotide variant.
Coding change: c.1452G>A on transcript NM_014714.4 (MANE Select); coding-DNA position 1452, G replaced by A.
Protein change: p.Thr484=; no amino-acid change (threonine 484 retained).
Molecular consequence: synonymous variant.
Genome position (GRCh38, 1-based): chr16:1,580,831, C>T on the plus strand (G>A on the coding strand, the complement: IFT140 is on the minus strand). VCF-style: chr16-1580831-C-T. GRCh37 (hg19) VCF-style: chr16-1630832-C-T.
Identifiers: ClinVar variation 886293 (VCV000886293.13), dbSNP rs914258252, ClinGen allele CA276677916.

ClinVar aggregate classification (germline): Conflicting classifications of pathogenicity. Review status: criteria provided, conflicting classifications (1 of 4 stars). 4 submissions from 4 submitters: Uncertain significance (1); Likely benign (3). Last evaluated 2025-10-19.

Conditions:
IFT140-related disorder. Also called: IFT140-related condition.
Saldino-Mainzer syndrome (SRTD9). Also called: Renal dysplasia, retinal pigmentary dystrophy, cerebellar ataxia and skeletal dysplasia; SHORT-RIB THORACIC DYSPLASIA 9 WITHOUT POLYDACTYLY; short-rib thoracic dysplasia 9 with or without polydactyly; CONORENAL SYNDROME. Identifiers: Orphanet 140969, MedGen C1849437, MONDO:0009964, OMIM 266920.

Allele frequency attached by ClinVar (database versions not stated): gnomAD 0.00001 and 0.00002; gnomAD exomes 0.00001; TOPMed 0.00001.
gnomAD v4.1: 15 of 1,613,254 alleles (0.00093%); highest among the groups gnomAD compares: Admixed American, 0.005%; no homozygotes.

Submissions (4):

PreventionGenetics, part of Exact Sciences
Classification: Likely benign for IFT140-related condition. Last evaluated: 2025-10-19. Review status: criteria provided, single submitter. Criteria: ACMG Guidelines, 2015. Collection method: clinical testing. Allele origin: germline.
Comment: This variant is classified as likely benign based on ACMG/AMP sequence variant interpretation guidelines (Richards et al. 2015 PMID: 25741868, with internal and published modifications).

Labcorp Genetics (formerly Invitae), Labcorp
Classification: Likely benign for Saldino-Mainzer syndrome. Last evaluated: 2025-02-17. Review status: criteria provided, single submitter. Criteria: Invitae Variant Classification Sherloc (09022015). Collection method: clinical testing. Allele origin: germline.

Blueprint Genetics
Classification: Likely benign. Last evaluated: 2022-06-16. Review status: criteria provided, single submitter. Criteria: ACMG Guidelines, 2015. Collection method: clinical testing. Allele origin: germline.

Illumina Laboratory Services, Illumina
Classification: Uncertain significance for Saldino-Mainzer syndrome. Last evaluated: 2017-04-27. Review status: criteria provided, single submitter. Criteria: ICSL Variant Classification Criteria 13 December 2019. Collection method: clinical testing. Allele origin: germline.